The following is an entry in ClinVar:

ClinVar aggregate classification (germline): Uncertain significance (1 of 4 stars; one submission).

Submission:

Labcorp Genetics (formerly Invitae), Labcorp
Classification: Uncertain significance. Last evaluated: 2023-08-22. Review status: criteria provided, single submitter. Criteria: Invitae Variant Classification Sherloc (09022015). Collection method: clinical testing. Allele origin: germline.
Comment: This sequence change replaces threonine, which is neutral and polar, with arginine, which is basic and polar, at codon 683 of the CNGB3 protein (p.Thr683Arg). This variant is not present in population databases (gnomAD no frequency). This variant has not been reported in the literature in individuals affected with CNGB3-related conditions. Advanced modeling of protein sequence and biophysical properties (such as structural, functional, and spatial information, amino acid conservation, physicochemical variation, residue mobility, and thermodynamic stability) performed at Invitae indicates that this missense variant is not expected to disrupt CNGB3 protein function. In summary, the available evidence is currently insufficient to determine the role of this variant in disease. Therefore, it has been classified as a Variant of Uncertain Significance.

NM_019098.5(CNGB3):c.2048C>G (p.Thr683Arg)

Gene: CNGB3 (cyclic nucleotide gated channel subunit beta 3; minus strand). Cytogenetic location: 8q21.3.
Variant type: single nucleotide variant.
Coding change: c.2048C>G on transcript NM_019098.5 (MANE Select); coding-DNA position 2048, C replaced by G.
Protein change: p.Thr683Arg; replaces threonine 683 with arginine.
Molecular consequence: missense variant.
Genome position (GRCh38, 1-based): chr8:86,578,744, G>C on the plus strand (C>G on the coding strand, the complement: CNGB3 is on the minus strand). VCF-style: chr8-86578744-G-C. GRCh37 (hg19) VCF-style: chr8-87590972-G-C.
Other names: short protein forms T683R.
Identifiers: ClinVar variation 2754416 (VCV002754416.3), dbSNP rs2538027646, ClinGen allele CA371447329.